The following is an entry in ClinVar:

NM_001330078.2(NRXN1):c.505C>T (p.Leu169Phe)

Gene: NRXN1 (neurexin 1; minus strand). Cytogenetic location: 2p16.3.
Variant type: single nucleotide variant.
Coding change: c.505C>T on transcript NM_001330078.2 (MANE Select); coding-DNA position 505, C replaced by T.
Protein change: p.Leu169Phe; replaces leucine 169 with phenylalanine.
Molecular consequence: missense variant.
Genome position (GRCh38, 1-based): chr2:51,027,769, G>A on the plus strand (C>T on the coding strand, the complement: NRXN1 is on the minus strand). VCF-style: chr2-51027769-G-A. GRCh37 (hg19) VCF-style: chr2-51254907-G-A.
Other names: c.505C>T, p.Leu169Phe (NM_001135659.3, NM_001330077.2, NM_001330079.2 and 15 more transcripts); short protein forms L169F.
Identifiers: ClinVar variation 2851555 (VCV002851555.3), dbSNP rs2468075213, ClinGen allele CA346823866.

ClinVar aggregate classification (germline): Uncertain significance (1 of 4 stars; one submission).

Conditions:
Pitt-Hopkins-like syndrome 2 (PTHSL2). Identifiers: Orphanet 221150, Orphanet 600663, MedGen C3280479, MONDO:0013690, OMIM 614325.

Submission:

Labcorp Genetics (formerly Invitae), Labcorp
Classification: Uncertain significance for Pitt-Hopkins-like syndrome 2. Last evaluated: 2023-06-15. Review status: criteria provided, single submitter. Criteria: Invitae Variant Classification Sherloc (09022015). Collection method: clinical testing. Allele origin: germline.
Comment: This sequence change replaces leucine, which is neutral and non-polar, with phenylalanine, which is neutral and non-polar, at codon 169 of the NRXN1 protein (p.Leu169Phe). In summary, the available evidence is currently insufficient to determine the role of this variant in disease. Therefore, it has been classified as a Variant of Uncertain Significance. An algorithm developed to predict the effect of missense changes on protein structure and function (PolyPhen-2) suggests that this variant is likely to be tolerated. This variant has not been reported in the literature in individuals affected with NRXN1-related conditions. This variant is not present in population databases (gnomAD no frequency).